The following is an entry in ClinVar:

NM_001205293.3(CACNA1E):c.1840A>G (p.Ile614Val)

Gene: CACNA1E (calcium voltage-gated channel subunit alpha1 E; plus strand). Cytogenetic location: 1q25.3.
Variant type: single nucleotide variant.
Coding change: c.1840A>G on transcript NM_001205293.3 (MANE Select); coding-DNA position 1840, A replaced by G.
Protein change: p.Ile614Val; replaces isoleucine 614 with valine.
Molecular consequence: missense variant.
Genome position (GRCh38, 1-based): chr1:181,720,294, A>G. VCF-style: chr1-181720294-A-G. GRCh37 (hg19) VCF-style: chr1-181689430-A-G.
Other names: c.1840A>G, p.Ile614Val (NM_000721.4, NM_001205294.2); short protein forms I614V.
Identifiers: ClinVar variation 3613279 (VCV003613279.3).
Genomic context (GRCh38, chr1:181,720,294, plus strand): 5'-GTCTCCTTGATGAGCTCAATGAAGTCTATCATCAGTTTGCTTTTCCTCCTCTTCCTCTTC[A>G]TCGTTGTCTTTGCTCTCCTAGGAATGCAGTTATTTGGAGGCAGGTAAGTGCCCAGAAGCT-3'
Protein context (NP_001192222.1, residues 604-624): ISLLFLLFLF[Ile614Val]VVFALLGMQL

ClinVar aggregate classification (germline): Uncertain significance. Review status: criteria provided, multiple submitters, no conflicts (2 of 4 stars). 2 submissions from 2 submitters: Uncertain significance (2). Last evaluated 2024-04-15.

gnomAD v4.1: 16 of 1,613,492 alleles (0.00099%); highest among the groups gnomAD compares: African/African-American, 0.0027%; no homozygotes.

Submissions (2):

Labcorp Genetics (formerly Invitae), Labcorp
Classification: Uncertain significance. Last evaluated: 2024-04-15. Review status: criteria provided, single submitter. Criteria: Invitae Variant Classification Sherloc (09022015). Collection method: clinical testing. Allele origin: germline.
Comment: This sequence change replaces isoleucine, which is neutral and non-polar, with valine, which is neutral and non-polar, at codon 614 of the CACNA1E protein (p.Ile614Val). This variant is present in population databases (rs373361032, gnomAD 0.007%). This missense change has been observed in individual(s) with late onset episodic ataxia (PMID: 32466254). Advanced modeling of protein sequence and biophysical properties (such as structural, functional, and spatial information, amino acid conservation, physicochemical variation, residue mobility, and thermodynamic stability) has been performed at Invitae for this missense variant, however the output from this modeling did not meet the statistical confidence thresholds required to predict the impact of this variant on CACNA1E protein function. In summary, the available evidence is currently insufficient to determine the role of this variant in disease. Therefore, it has been classified as a Variant of Uncertain Significance.

Blueprint Genetics
Classification: Uncertain significance. Last evaluated: 2021-04-16. Review status: criteria provided, single submitter. Criteria: ACMG Guidelines, 2015. Collection method: clinical testing. Allele origin: germline.

Literature cited by the submitters: PubMed 32466254 (cited by Labcorp Genetics (formerly Invitae), Labcorp).